The following is an entry in ClinVar:

NM_032977.4(CASP10):c.1223C>T (p.Pro408Leu)

Gene: CASP10 (caspase 10; plus strand). Cytogenetic location: 2q33.1.
Variant type: single nucleotide variant.
Coding change: c.1223C>T on transcript NM_032977.4 (MANE Select); coding-DNA position 1223, C replaced by T.
Protein change: p.Pro408Leu; replaces proline 408 with leucine.
Molecular consequence: missense variant. On other transcripts: 3 prime UTR variant (1).
Genome position (GRCh38, 1-based): chr2:201,209,370, C>T. VCF-style: chr2-201209370-C-T. GRCh37 (hg19) VCF-style: chr2-202074093-C-T.
Other names: c.1022C>T, p.Pro341Leu (NM_001206524.2); c.1094C>T, p.Pro365Leu (NM_001206542.2, NM_001230.5); c.1223C>T, p.Pro408Leu (NM_032974.5); c.*309C>T (NM_032976.4); short protein forms P341L, P365L, P408L.
Identifiers: ClinVar variation 2929053 (VCV002929053.3), dbSNP rs1287968835, ClinGen allele CA350292152.
Genomic context (GRCh38, chr2:201,209,370, plus strand): 5'-GACTGGCTGAAAAACCTAAACTCTTTTTCATCCAGGCCTGCCAAGGTGAAGAGATACAGC[C>T]TTCCGTATCCATCGAAGCAGATGCTCTGAACCCTGAGCAGGCACCCACTTCCCTGCAGGA-3'
Protein context (NP_116759.2, residues 398-418): IQACQGEEIQ[Pro408Leu]SVSIEADALN

ClinVar aggregate classification (germline): Uncertain significance (1 of 4 stars; one submission).

Conditions:
Autoimmune lymphoproliferative syndrome type 2A (ALPS2A). Also called: Autoimmune lymphoproliferative syndrome type 2; CASP10-Related Autoimmune Lymphoproliferative Syndrome; AUTOIMMUNE LYMPHOPROLIFERATIVE SYNDROME, TYPE IIA. Identifiers: Orphanet 3261, MedGen C1858968, MONDO:0011383, OMIM 603909.

Allele frequency attached by ClinVar (database versions not stated): gnomAD exomes below 0.00001.
gnomAD v4.1: 3 of 1,614,148 alleles (0.00019%); highest among the groups gnomAD compares: Admixed American, 0.0017%; no homozygotes.

Submission:

Labcorp Genetics (formerly Invitae), Labcorp
Classification: Uncertain significance for Autoimmune lymphoproliferative syndrome type 2A. Last evaluated: 2022-12-25. Review status: criteria provided, single submitter. Criteria: Invitae Variant Classification Sherloc (09022015). Collection method: clinical testing. Allele origin: germline.
Comment: This sequence change replaces proline, which is neutral and non-polar, with leucine, which is neutral and non-polar, at codon 408 of the CASP10 protein (p.Pro408Leu). This variant is present in population databases (no rsID available, gnomAD no frequency). This variant has not been reported in the literature in individuals affected with CASP10-related conditions. Advanced modeling of protein sequence and biophysical properties (such as structural, functional, and spatial information, amino acid conservation, physicochemical variation, residue mobility, and thermodynamic stability) performed at Invitae indicates that this missense variant is not expected to disrupt CASP10 protein function. In summary, the available evidence is currently insufficient to determine the role of this variant in disease. Therefore, it has been classified as a Variant of Uncertain Significance.